The following is an entry in ClinVar:

ClinVar aggregate classification (germline): Uncertain significance (1 of 4 stars; one submission).

Allele frequency attached by ClinVar (database versions not stated): gnomAD exomes 0.00001; gnomAD 0.00002.
gnomAD v4.1: 20 of 1,464,854 alleles (0.0014%); highest among the groups gnomAD compares: African/African-American, 0.003%; no homozygotes.

Submission:

CeGaT Center for Human Genetics Tuebingen
Classification: Uncertain significance. Last evaluated: 2022-04-01. Review status: criteria provided, single submitter. Criteria: CeGaT Center For Human Genetics Tuebingen Variant Classification Criteria Version 2. Collection method: clinical testing. Allele origin: germline. Affected: yes. Observed: 1 variant allele.
Comment: KCNC3: PP3

NM_004977.3(KCNC3):c.238C>T (p.His80Tyr)

Gene: KCNC3 (potassium voltage-gated channel subfamily C member 3; minus strand). Cytogenetic location: 19q13.33.
Variant type: single nucleotide variant.
Coding change: c.238C>T on transcript NM_004977.3 (MANE Select); coding-DNA position 238, C replaced by T.
Protein change: p.His80Tyr; replaces histidine 80 with tyrosine.
Molecular consequence: missense variant.
Genome position (GRCh38, 1-based): chr19:50,328,845, G>A on the plus strand (C>T on the coding strand, the complement: KCNC3 is on the minus strand). VCF-style: chr19-50328845-G-A. GRCh37 (hg19) VCF-style: chr19-50832102-G-A.
Other names: c.10C>T, p.His4Tyr (NM_001372305.1); short protein forms H4Y, H80Y.
Identifiers: ClinVar variation 2650327 (VCV002650327.24), dbSNP rs977654975, ClinGen allele CA309576141.